The following is an entry in ClinVar:

NM_001374828.1(ARID1B):c.6028del (p.Ala2010fs)

Gene: ARID1B (AT-rich interaction domain 1B; plus strand). Cytogenetic location: 6q25.3.
Variant type: Deletion.
Coding change: c.6028del on transcript NM_001374828.1 (MANE Select); coding-DNA position 6028, one base deleted (G; older notation c.6028delG).
Protein change: p.Ala2010fs; shifts the reading frame from alanine 2010.
Molecular consequence: frameshift variant.
Genome position (GRCh38, 1-based): chr6:157,206,800, G deleted; the last of 4 consecutive G bases (chr6:157,206,797-157,206,800); deleting any one gives the same sequence. VCF-style (leftmost placement, unchanged base first): chr6-157206796-AG-A. GRCh37 (hg19) VCF-style: chr6-157527930-AG-A.
Other names: NM_001374828.1(ARID1B):c.6028del; p.Ala2010fs; c.3529del, p.Ala1177fs (NM_001363725.2); c.5908del, p.Ala1970fs (NM_001371656.1, NM_001374820.1); c.5869del, p.Ala1957fs (NM_017519.3); c.5779del (NM_001346813.1); short protein forms A1177fs, A1957fs, A1970fs, A2010fs.
Identifiers: ClinVar variation 982759 (VCV000982759.3), dbSNP rs1794490994, ClinGen allele CA1139659342.

ClinVar aggregate classification (germline): Pathogenic/Likely pathogenic. Review status: criteria provided, multiple submitters, no conflicts (2 of 4 stars). 2 submissions from 2 submitters: Pathogenic (1); Likely pathogenic (1). Last evaluated 2023-05-02.

Conditions:
Coffin-Siris syndrome 1 (CSS1). Also called: ARID1B-Related Coffin-Siris Syndrome; Mental retardation, autosomal dominant 12. Identifiers: Orphanet 1465, MedGen C3281201, MONDO:0007617, OMIM 135900. Disease mechanism: gain of function.

Submissions (2):

Broad Center for Mendelian Genomics, Broad Institute of MIT and Harvard
Classification: Likely pathogenic for Coffin-Siris syndrome 1. Last evaluated: 2023-05-02. Review status: criteria provided, single submitter. Criteria: ACMG Guidelines, 2015. Collection method: curation. Allele origin: germline.
Comment: Trio exome analysis showed this variant to be de novo. The p.Ala1887HisfsTer87in ARID1B has not been previously reported in individuals with Coffin-Siris syndrome 1. This variant has also been reported in ClinVar (Variation ID: 982759) and has been interpreted as pathogenic by the Institute of Human Genetics, University of Leipzig Medical Center. This variant was absent from large population studies. This variant is predicted to cause a frameshift, which alters the protein‚Äôs amino acid sequence beginning at position 1887 and leads to a premature termination codon 87 amino acids downstream. This termination codon occurs within the last exon and is more likely to escape nonsense mediated decay (NMD) and result in a truncated protein. Heterozygous loss of function of the ARID1B gene is an established disease mechanism in autosomal dominant Coffin-Siris syndrome 1. In summary, although additional studies are required to fully establish its clinical significance, this variant is likely pathogenic for autosomal dominant Coffin-Siris syndrome 1. ACMG/AMP Criteria applied: PVS1_Strong, PS2_Supporting, PM2_Supporting (Richards 2015).

Institute of Human Genetics, University of Leipzig Medical Center
Classification: Pathogenic for Coffin-Siris syndrome 1. Last evaluated: 2020-10-27. Review status: criteria provided, single submitter. Criteria: ACMG Guidelines, 2015. Collection method: clinical testing. Allele origin: de novo. Affected: yes.
Comment: This variant was identified as de novo (maternity and paternity confirmed).